The following is an entry in ClinVar:

ClinVar aggregate classification (germline): Uncertain significance. Review status: criteria provided, multiple submitters, no conflicts (2 of 4 stars). 5 submissions from 5 submitters: Uncertain significance (5). Last evaluated 2025-08-06.

Conditions:
Polycystic kidney disease 8. Identifiers: MedGen C5935640, MONDO:0971178, OMIM 620903.
Renal-hepatic-pancreatic dysplasia 2 (RHPD2). Identifiers: MedGen C3809434, MONDO:0014174, OMIM 615415.
Nephronophthisis 9 (NPHP9). Identifiers: Orphanet 655, MedGen C3151188, MONDO:0013444, OMIM 613824.
Inborn genetic diseases. Identifiers: MedGen C0950123, MeSH D030342.

Allele frequency attached by ClinVar (database versions not stated): gnomAD exomes 0.00004; ExAC 0.00009; ESP Exome Variant Server 0.00023; TOPMed 0.00023; gnomAD 0.00025.

Submissions (5):

Labcorp Genetics (formerly Invitae), Labcorp
Classification: Uncertain significance for Nephronophthisis 9. Last evaluated: 2025-08-06. Review status: criteria provided, single submitter. Criteria: Invitae Variant Classification Sherloc (09022015). Collection method: clinical testing. Allele origin: germline.
Comment: This sequence change replaces arginine, which is basic and polar, with cysteine, which is neutral and slightly polar, at codon 273 of the NEK8 protein (p.Arg273Cys). This variant is present in population databases (rs371673804, gnomAD 0.1%). This variant has not been reported in the literature in individuals affected with NEK8-related conditions. ClinVar contains an entry for this variant (Variation ID: 2399245). An algorithm developed to predict the effect of missense changes on protein structure and function (PolyPhen-2) suggests that this variant is likely to be tolerated. In summary, the available evidence is currently insufficient to determine the role of this variant in disease. Therefore, it has been classified as a Variant of Uncertain Significance.

Ambry Genetics
Classification: Uncertain significance for Inborn genetic diseases. Last evaluated: 2024-09-11. Review status: criteria provided, single submitter. Criteria: Ambry Variant Classification Scheme 2023. Collection method: clinical testing. Allele origin: germline.

Fulgent Genetics
Classification: Uncertain significance for Nephronophthisis 9; Renal-hepatic-pancreatic dysplasia 2; Polycystic kidney disease 8. Last evaluated: 2024-01-16. Review status: criteria provided, single submitter. Criteria: ACMG Guidelines, 2015. Collection method: clinical testing. Allele origin: germline.

GeneDx
Classification: Uncertain significance. Last evaluated: 2023-11-21. Review status: criteria provided, single submitter. Criteria: GeneDx Variant Classification Process June 2021. Collection method: clinical testing. Allele origin: germline. Affected: yes.
Comment: In silico analysis supports that this missense variant does not alter protein structure/function; Has not been previously published as pathogenic or benign to our knowledge

Genetic Services Laboratory, University of Chicago
Classification: Uncertain significance. Last evaluated: 2023-03-24. Review status: criteria provided, single submitter. Criteria: ACMG Guidelines, 2015. Collection method: clinical testing. Allele origin: germline. Affected: no.
Comment: DNA sequence analysis of the NEK8 gene demonstrated a sequence change, c.817C>T, in exon 5 that results in an amino acid change, p.Arg273Cys. This sequence change has been described in the gnomAD database with a frequency of 0.092% in the African/African American subpopulation (dbSNP rs371673804). The p.Arg273Cys change affects a moderately conserved amino acid residue located in a domain of the NEK8 protein that is known to be functional. In-silico pathogenicity prediction tools (SIFT, PolyPhen2, Align GVGD, REVEL) provide contradictory results for the p.Arg273Cys substitution. This sequence change does not appear to have been previously described in individuals with NEK8-related disorders. Due to insufficient evidence and the lack of functional studies, the clinical significance of the p.Arg273Cys change remains unknown at this time.

NM_178170.3(NEK8):c.817C>T (p.Arg273Cys)

Gene: NEK8 (NIMA related kinase 8; plus strand). Cytogenetic location: 17q11.2.
Variant type: single nucleotide variant.
Coding change: c.817C>T on transcript NM_178170.3 (MANE Select); coding-DNA position 817, C replaced by T.
Protein change: p.Arg273Cys; replaces arginine 273 with cysteine.
Molecular consequence: missense variant.
Genome position (GRCh38, 1-based): chr17:28,737,504, C>T. VCF-style: chr17-28737504-C-T. GRCh37 (hg19) VCF-style: chr17-27064522-C-T.
Other names: short protein forms R273C.
Identifiers: ClinVar variation 2399245 (VCV002399245.8), dbSNP rs371673804, ClinGen allele CA8467169.